The following is an entry in ClinVar:

ClinVar aggregate classification (germline): Uncertain significance (1 of 4 stars; one submission).

Conditions:
Primary ciliary dyskinesia 19. Also called: CILIARY DYSKINESIA, PRIMARY, 19, WITH OR WITHOUT SITUS INVERSUS. Identifiers: Orphanet 244, MedGen C3543826, MONDO:0013979, OMIM 614935.

gnomAD v4.1: 1 of 1,590,504 alleles (0.000063%); highest among the groups gnomAD compares: South Asian, 0.0011%; no homozygotes.

Submission:

Labcorp Genetics (formerly Invitae), Labcorp
Classification: Uncertain significance for Primary ciliary dyskinesia 19. Last evaluated: 2024-05-29. Review status: criteria provided, single submitter. Criteria: Invitae Variant Classification Sherloc (09022015). Collection method: clinical testing. Allele origin: germline.
Comment: This sequence change replaces tyrosine, which is neutral and polar, with histidine, which is basic and polar, at codon 324 of the LRRC6 protein (p.Tyr324His). This variant is not present in population databases (gnomAD no frequency). This variant has not been reported in the literature in individuals affected with LRRC6-related conditions. Advanced modeling of protein sequence and biophysical properties (such as structural, functional, and spatial information, amino acid conservation, physicochemical variation, residue mobility, and thermodynamic stability) performed at Invitae indicates that this missense variant is expected to disrupt LRRC6 protein function with a positive predictive value of 80%. In summary, the available evidence is currently insufficient to determine the role of this variant in disease. Therefore, it has been classified as a Variant of Uncertain Significance.

NM_012472.6(DNAAF11):c.970T>C (p.Tyr324His)

Gene: DNAAF11 (dynein axonemal assembly factor 11; minus strand). Cytogenetic location: 8q24.22.
Variant type: single nucleotide variant.
Coding change: c.970T>C on transcript NM_012472.6 (MANE Select); coding-DNA position 970, T replaced by C.
Protein change: p.Tyr324His; replaces tyrosine 324 with histidine.
Molecular consequence: missense variant. On other transcripts: non-coding transcript variant (9), intron variant (2).
Genome position (GRCh38, 1-based): chr8:132,615,042, A>G on the plus strand (T>C on the coding strand, the complement: DNAAF11 is on the minus strand). VCF-style: chr8-132615042-A-G. GRCh37 (hg19) VCF-style: chr8-133627288-A-G.
Other names: c.724T>C, p.Tyr242His (NM_001321962.2); c.610T>C, p.Tyr204His (NM_001321963.2, NM_001321964.2, NM_001321965.2); c.915-3679T>C (NM_001321961.2); c.555-3679T>C (NM_001321966.2); short protein forms Y204H, Y324H, Y242H.
Identifiers: ClinVar variation 3655040 (VCV003655040.2).